The following is an entry in ClinVar:

ClinVar aggregate classification (germline): Likely benign (1 of 4 stars; one submission).

Allele frequency attached by ClinVar (database versions not stated): 1000 Genomes Project 30x 0.00047; 1000 Genomes Project 0.00080; ESP Exome Variant Server 0.00231; gnomAD 0.00336; ExAC 0.00338; gnomAD exomes 0.00455.
gnomAD v4.1: 7,167 of 1,612,080 alleles (0.44%); highest among the groups gnomAD compares: Non-Finnish European, 0.52%; 7 homozygotes.

Submission:

CeGaT Center for Human Genetics Tuebingen
Classification: Likely benign. Last evaluated: 2022-12-01. Review status: criteria provided, single submitter. Criteria: CeGaT Center For Human Genetics Tuebingen Variant Classification Criteria Version 2. Collection method: clinical testing. Allele origin: germline. Affected: yes. Observed: 3 variant alleles.
Comment: POTEE: BP4, BP7

NM_001083538.3(POTEE):c.471C>G (p.Leu157=)

Gene: POTEE (POTE ankyrin domain family member E; plus strand). Cytogenetic location: 2q21.1.
Variant type: single nucleotide variant.
Coding change: c.471C>G on transcript NM_001083538.3 (MANE Select); coding-DNA position 471, C replaced by G.
Protein change: p.Leu157=; no amino-acid change (leucine 157 retained).
Molecular consequence: synonymous variant.
Genome position (GRCh38, 1-based): chr2:131,218,873, C>G. VCF-style: chr2-131218873-C-G. GRCh37 (hg19) VCF-style: chr2-131976446-C-G.
Identifiers: ClinVar variation 2651374 (VCV002651374.24), dbSNP rs201486994, ClinGen allele CA1876309.
Genomic context (GRCh38, chr2:131,218,873, plus strand): 5'-AGAAGATCTGGACAAGCTCCACAGAGCTGCCTGGTGGGGTAAAGTCCCCAGAAAGGATCT[C>G]ATCGTCATGCTCAGGGACACTGACGTGAACAAGAAGGACAAGCAAAAGAGGTAACCAGGC-3'
Protein context (NP_001077007.1, residues 147-167): AWWGKVPRKD[Leu157=]IVMLRDTDVN